The following is an entry in ClinVar:

ClinVar aggregate classification (germline): Uncertain significance (1 of 4 stars; one submission).

Conditions:
Hereditary cancer-predisposing syndrome. Also called: Tumor predisposition; Hereditary Cancer Syndrome; Hereditary neoplastic syndrome; Neoplastic Syndromes, Hereditary. Identifiers: Orphanet 140162, MedGen C0027672, MeSH D009386, MONDO:0015356.

Submission:

Ambry Genetics
Classification: Uncertain significance for Hereditary cancer-predisposing syndrome. Last evaluated: 2024-06-01. Review status: criteria provided, single submitter. Criteria: Ambry Variant Classification Scheme 2023. Collection method: clinical testing. Allele origin: germline.
Comment: The p.A745T variant (also known as c.2233G>A), located in coding exon 15 of the CTNNA1 gene, results from a G to A substitution at nucleotide position 2233. The alanine at codon 745 is replaced by threonine, an amino acid with similar properties. This amino acid position is conserved. In addition, the in silico prediction for this alteration is inconclusive. Based on the available evidence, the clinical significance of this variant remains unclear.

NM_001903.5(CTNNA1):c.2233G>A (p.Ala745Thr)

Gene: CTNNA1 (catenin alpha 1; plus strand). Cytogenetic location: 5q31.2.
Variant type: single nucleotide variant.
Coding change: c.2233G>A on transcript NM_001903.5 (MANE Select); coding-DNA position 2233, G replaced by A.
Protein change: p.Ala745Thr; replaces alanine 745 with threonine.
Molecular consequence: missense variant.
Genome position (GRCh38, 1-based): chr5:138,930,870, G>A. VCF-style: chr5-138930870-G-A. GRCh37 (hg19) VCF-style: chr5-138266559-G-A.
Other names: c.2233G>A, p.Ala745Thr (NM_001290307.3, NM_001323982.2, NM_001323983.1 and 2 more transcripts); c.1924G>A, p.Ala642Thr (NM_001290309.3); c.1864G>A, p.Ala622Thr (NM_001290310.3); c.1123G>A, p.Ala375Thr (NM_001290312.1, NM_001323987.1, NM_001323988.1 and 17 more transcripts); c.2140G>A, p.Ala714Thr (NM_001323986.2); c.1030G>A, p.Ala344Thr (NM_001324011.1); c.880G>A, p.Ala294Thr (NM_001324012.1, NM_001324013.1); c.784G>A, p.Ala262Thr (NM_001324006.1, NM_001324007.1, NM_001324008.1 and 2 more transcripts); short protein forms A262T, A642T, A622T, A294T, A344T, A375T, A714T, A745T.
Identifiers: ClinVar variation 3270101 (VCV003270101.1).